The following is an entry in ClinVar:

NM_022436.3(ABCG5):c.1489_1501del (p.Ala497fs)

Genes: ABCG5 (ATP binding cassette subfamily G member 5; minus strand), DYNC2LI1 (dynein cytoplasmic 2 light intermediate chain 1; plus strand). Cytogenetic location: 2p21.
Variant type: Deletion.
Coding change: c.1489_1501del on transcript NM_022436.3 (MANE Select); coding-DNA positions 1489 to 1501, 13 bases deleted (GCCCGATTTGGAT).
Protein change: p.Ala497fs; shifts the reading frame from alanine 497.
Molecular consequence: frameshift variant. On other transcripts: intron variant (2).
Genome position (GRCh38, 1-based): chr2:43,820,063-43,820,075, ATCCAAATCGGGC deleted on the plus strand (GCCCGATTTGGAT on the coding strand, the reverse complement: ABCG5 is on the minus strand); deleting any 13 consecutive bases within chr2:43,820,063-43,820,076 gives the same sequence; the c. name uses the placement nearest the transcript's 3' end. VCF-style (leftmost placement, unchanged base first): chr2-43820062-TATCCAAATCGGGC-T. GRCh37 (hg19) VCF-style: chr2-44047201-TATCCAAATCGGGC-T.
Other names: c.*16-7322_*16-7310del (NM_001348913.2, NM_001348912.2); short protein forms A497fs.
Identifiers: ClinVar variation 3886530 (VCV003886530.1).
Genomic context (GRCh38, chr2:43,820,062, plus strand): 5'-AGTAGCACAAGAGTTAGAAATTCACCAATTAAGTGGGGGGCCAAGAGAGCAGCAGAAAAA[TATCCAAATCGGGC>T]AACCTCAGGATGTAAGCCCAGCGTCCTAGAAAAGCATAAGCTCTTTAGTTTCCTCTCCAA-3'

ClinVar aggregate classification (germline): Pathogenic (1 of 4 stars; one submission).

Conditions:
Cardiovascular phenotype. Identifiers: MedGen CN230736.

Submission:

Ambry Genetics
Classification: Pathogenic for Cardiovascular phenotype. Last evaluated: 2024-12-26. Review status: criteria provided, single submitter. Criteria: Ambry Variant Classification Scheme 2023. Collection method: clinical testing. Allele origin: germline.
Comment: The c.1489_1501del13 pathogenic mutation, located in coding exon 11 of the ABCG5 gene, results from a deletion of 13 nucleotides at nucleotide positions 1489 to 1501, causing a translational frameshift with a predicted alternate stop codon (p.A497Ifs*11). This variant is considered to be rare based on population cohorts in the Genome Aggregation Database (gnomAD). This alteration is expected to result in loss of function by premature protein truncation or nonsense-mediated mRNA decay. As such, this alteration is interpreted as a disease-causing mutation.

Literature cited by the submitters: PubMed 30241732.